The following is an entry in ClinVar:

ClinVar aggregate classification (germline): Uncertain significance (1 of 4 stars; one submission).

Conditions:
Hypertrophic cardiomyopathy 14. Identifiers: MedGen C2750467, MONDO:0013197, OMIM 613251.

Submission:

Labcorp Genetics (formerly Invitae), Labcorp
Classification: Uncertain significance for Hypertrophic cardiomyopathy 14. Last evaluated: 2026-01-21. Review status: criteria provided, single submitter. Criteria: Invitae Variant Classification Sherloc (09022015). Collection method: clinical testing. Allele origin: germline.
Comment: This sequence change falls in intron 4 of the MYH6 gene. It does not directly change the encoded amino acid sequence of the MYH6 protein. It affects a nucleotide within the consensus splice site. This variant is not present in population databases (gnomAD no frequency). This variant has not been reported in the literature in individuals affected with MYH6-related conditions. Variants that disrupt the consensus splice site are a relatively common cause of aberrant splicing (PMID: 17576681, 9536098). Algorithms developed to predict the effect of sequence changes on RNA splicing suggest that this variant may disrupt the consensus splice site. In summary, the available evidence is currently insufficient to determine the role of this variant in disease. Therefore, it has been classified as a Variant of Uncertain Significance.

Literature cited by the submitters: PubMed 17576681; PubMed 9536098.

NM_002471.4(MYH6):c.346-3C>G

Genes: MYH6 (myosin heavy chain 6; minus strand), LOC114827851 (VISTA enhancer hs2155; plus strand). Cytogenetic location: 14q11.2.
Variant type: single nucleotide variant.
Coding change: c.346-3C>G on transcript NM_002471.4 (MANE Select); 3 bases into the intron before coding-DNA position 346, C replaced by G.
Molecular consequence: intron variant.
Genome position (GRCh38, 1-based): chr14:23,405,382, G>C on the plus strand (C>G on the coding strand, the complement: MYH6 is on the minus strand). VCF-style: chr14-23405382-G-C. GRCh37 (hg19) VCF-style: chr14-23874591-G-C.
Identifiers: ClinVar variation 4735923 (VCV004735923.1).